The following is an entry in ClinVar:

ClinVar aggregate classification (germline): Pathogenic/Likely pathogenic. Review status: criteria provided, multiple submitters, no conflicts (2 of 4 stars). 2 submissions from 2 submitters: Pathogenic (1); Likely pathogenic (1). Last evaluated 2025-03-06.

Conditions:
Ehlers-Danlos syndrome (EDS). Identifiers: Orphanet 98249, MedGen C0013720, MONDO:0020066.
Familial thoracic aortic aneurysm and aortic dissection (TAAD). Also called: Thoracic aortic aneurysms and dissections. Identifiers: Orphanet 91387, MedGen C4707243, MONDO:0019625.

Submissions (2):

Ambry Genetics
Classification: Pathogenic for Familial thoracic aortic aneurysm and aortic dissection. Last evaluated: 2025-03-06. Review status: criteria provided, single submitter. Criteria: Ambry Variant Classification Scheme 2023. Collection method: clinical testing. Allele origin: germline.
Comment: The c.5031delG pathogenic mutation, located in coding exon 63 of the COL5A1 gene, results from a deletion of one nucleotide at nucleotide position 5031, causing a translational frameshift with a predicted alternate stop codon (p.S1678Rfs*51). This variant is considered to be rare based on population cohorts in the Genome Aggregation Database (gnomAD). This alteration is expected to result in loss of function by premature protein truncation or nonsense-mediated mRNA decay. As such, this alteration is interpreted as a disease-causing mutation.

Genome Diagnostics Laboratory, The Hospital for Sick Children
Classification: Likely pathogenic for Ehlers-Danlos syndrome. Last evaluated: 2019-11-01. Review status: criteria provided, single submitter. Criteria: ACMG Guidelines, 2015. Collection method: clinical testing. Allele origin: germline.

NM_000093.5(COL5A1):c.5031del (p.Ser1678fs)

Genes: COL5A1 (collagen type V alpha 1 chain; plus strand), LOC101448202 (uncharacterized LOC101448202; minus strand). Cytogenetic location: 9q34.3.
Variant type: Deletion.
Coding change: c.5031del on transcript NM_000093.5 (MANE Select); coding-DNA position 5031, one base deleted (G; older notation c.5031delG).
Protein change: p.Ser1678fs; shifts the reading frame from serine 1678.
Molecular consequence: frameshift variant.
Genome position (GRCh38, 1-based): chr9:134,825,868, G deleted; the last of 6 consecutive G bases (chr9:134,825,863-134,825,868); deleting any one gives the same sequence. VCF-style (leftmost placement, unchanged base first): chr9-134825862-CG-C. GRCh37 (hg19) VCF-style: chr9-137717708-CG-C.
Other names: c.5031del, p.Ser1678fs (NM_001278074.1); c.5031delG (NM_000093.3); short protein forms S1678fs.
Identifiers: ClinVar variation 1702219 (VCV001702219.4), dbSNP rs2132887747, ClinGen allele CA645565586.
Genomic context (GRCh38, chr9:134,825,862, plus strand): 5'-GGTCGATCCTAACCAAGGATGCTCCAGGGATTCCTTCAAGGTTTACTGCAACTTCACAGC[CG>C]GGGGGTCGACATGCGTCTTCCCTGACAAGAAGTCCGAAGGGGTGAGTAGCTGTGTCCCTC-3'